The following is an entry in ClinVar:

ClinVar aggregate classification (germline): Benign/Likely benign. Review status: criteria provided, multiple submitters, no conflicts (2 of 4 stars). 4 submissions from 4 submitters: Benign (1); Likely benign (3). Last evaluated 2025-04-11.

Conditions:
Hereditary nonpolyposis colorectal neoplasms. Identifiers: MedGen C0009405, MeSH D003123.
Hereditary cancer-predisposing syndrome. Also called: Hereditary neoplastic syndrome; Neoplastic Syndromes, Hereditary; Tumor predisposition; Hereditary Cancer Syndrome. Identifiers: Orphanet 140162, MedGen C0027672, MeSH D009386, MONDO:0015356.
Lynch syndrome 4 (LYNCH4). Also called: Hereditary non-polyposis colorectal cancer, type 4; Colorectal cancer, hereditary nonpolyposis, type 4. Identifiers: Orphanet 144, MedGen C1838333, MONDO:0013699, OMIM 614337. Disease mechanism: loss of function.

Allele frequency attached by ClinVar (database versions not stated): TOPMed below 0.00001; gnomAD 0.00001.

Submissions (4):

Labcorp Genetics (formerly Invitae), Labcorp
Classification: Likely benign for Hereditary nonpolyposis colorectal neoplasms. Last evaluated: 2025-04-11. Review status: criteria provided, single submitter. Criteria: Invitae Variant Classification Sherloc (09022015). Collection method: clinical testing. Allele origin: germline.

Myriad Genetics, Inc.
Classification: Benign for Lynch syndrome 4. Last evaluated: 2025-01-31. Review status: criteria provided, single submitter. Criteria: Myriad Autosomal Dominant, Autosomal Recessive and X-Linked Classification Criteria (2023). Collection method: clinical testing. Allele origin: unknown.
Comment: This variant is considered benign. This variant is a silent/synonymous amino acid change and it is not expected to impact splicing.

Color Diagnostics, LLC DBA Color Health
Classification: Likely benign for Hereditary cancer-predisposing syndrome. Last evaluated: 2018-11-01. Review status: criteria provided, single submitter. Criteria: ACMG Guidelines, 2015. Collection method: clinical testing. Allele origin: germline.

Ambry Genetics
Classification: Likely benign for Hereditary cancer-predisposing syndrome. Last evaluated: 2017-01-18. Review status: criteria provided, single submitter. Criteria: Ambry Variant Classification Scheme 2023. Collection method: clinical testing. Allele origin: germline.

NM_000535.7(PMS2):c.1935C>T (p.Tyr645=)

Gene: PMS2 (PMS1 homolog 2, mismatch repair system component; minus strand). Cytogenetic location: 7p22.1.
Variant type: single nucleotide variant.
Coding change: c.1935C>T on transcript NM_000535.7 (MANE Select); coding-DNA position 1935, C replaced by T.
Protein change: p.Tyr645=; no amino-acid change (tyrosine 645 retained).
Molecular consequence: synonymous variant. On other transcripts: non-coding transcript variant (1).
Genome position (GRCh38, 1-based): chr7:5,986,830, G>A on the plus strand (C>T on the coding strand, the complement: PMS2 is on the minus strand). VCF-style: chr7-5986830-G-A. GRCh37 (hg19) VCF-style: chr7-6026461-G-A.
Other names: c.1530C>T, p.Tyr510= (NM_001322003.2, NM_001322004.2, NM_001322005.2 and 1 more transcripts); c.1779C>T, p.Tyr593= (NM_001322006.2); c.1617C>T, p.Tyr539= (NM_001322007.2, NM_001322008.2); c.1374C>T, p.Tyr458= (NM_001322010.2); c.1002C>T, p.Tyr334= (NM_001322011.2, NM_001322012.2); c.1362C>T, p.Tyr454= (NM_001322013.2); c.1935C>T, p.Tyr645= (NM_001322014.2); c.1626C>T, p.Tyr542= (NM_001322015.2).
Identifiers: ClinVar variation 184851 (VCV000184851.17), dbSNP rs786201737, ClinGen allele CA010486.